The following is an entry in ClinVar:

ClinVar aggregate classification (germline): Likely pathogenic (1 of 4 stars; one submission).

Conditions:
Progressive sclerosing poliodystrophy (MTDPS4A). Also called: ALPERS PROGRESSIVE INFANTILE POLIODYSTROPHY; Alpers-Huttenlocher Syndrome (AHS); NEURONAL DEGENERATION OF CHILDHOOD WITH LIVER DISEASE, PROGRESSIVE; Mitochondrial DNA depletion syndrome 4A (Alpers type); Mitochondrial DNA Depletion Syndrome 4A; Alpers Syndrome. Identifiers: Orphanet 726, MedGen C0205710, MONDO:0008758, OMIM 203700.

Submission:

Institute of Medical Genetics and Genomics, Sir Ganga Ram Hospital
Classification: Likely pathogenic for Progressive sclerosing poliodystrophy. Last evaluated: 2022-10-17. Review status: criteria provided, single submitter. Criteria: ACMG Guidelines, 2015. Collection method: clinical testing. Allele origin: germline. Inheritance: Autosomal recessive inheritance. Affected: yes. Observed: 1 compound heterozygote.
Comment: The variant c.368 T>G (p.Val123Gly) is present in compound heterozygous state with c.911 T>G (p.Leu304Arg) in POLG gene. This variant has not been identified in gnomAD or 1000g. Based on segregation studies, absence in the healthy control population and the clinical features, this variant is classified as Likely pathogenic

NM_002693.3(POLG):c.368T>G (p.Val123Gly)

Genes: POLG (DNA polymerase gamma, catalytic subunit; minus strand), POLGARF (POLG alternative reading frame; minus strand). Cytogenetic location: 15q26.1.
Variant type: single nucleotide variant.
Coding change: c.368T>G on transcript NM_002693.3 (MANE Select); coding-DNA position 368, T replaced by G.
Protein change: p.Val123Gly; replaces valine 123 with glycine.
Molecular consequence: missense variant.
Genome position (GRCh38, 1-based): chr15:89,333,387, A>C on the plus strand (T>G on the coding strand, the complement: POLG is on the minus strand). VCF-style: chr15-89333387-A-C. GRCh37 (hg19) VCF-style: chr15-89876618-A-C.
Other names: c.368T>G, p.Val123Gly (NM_001126131.2); short protein forms V123G.
Identifiers: ClinVar variation 1710911 (VCV001710911.3), dbSNP rs2509275684, ClinGen allele CA393772269.